The following is an entry in ClinVar:

NM_000057.4(BLM):c.83C>A (p.Ser28Ter)

Gene: BLM (BLM RecQ like helicase; plus strand). Cytogenetic location: 15q26.1.
Variant type: single nucleotide variant.
Coding change: c.83C>A on transcript NM_000057.4 (MANE Select); coding-DNA position 83, C replaced by A.
Protein change: p.Ser28Ter; replaces serine 28 with a stop codon.
Molecular consequence: nonsense. On other transcripts: 5 prime UTR variant (1).
Genome position (GRCh38, 1-based): chr15:90,747,475, C>A. VCF-style: chr15-90747475-C-A. GRCh37 (hg19) VCF-style: chr15-91290705-C-A.
Other names: c.83C>A, p.Ser28Ter (NM_001287246.2, NM_001287247.2); c.-1209C>A (NM_001287248.2); short protein forms S28*.
Identifiers: ClinVar variation 3224927 (VCV003224927.1), dbSNP rs2151145090, ClinGen allele CA393838988.

ClinVar aggregate classification (germline): Likely pathogenic (1 of 4 stars; one submission).

Conditions:
Hereditary cancer-predisposing syndrome. Also called: Neoplastic Syndromes, Hereditary; Tumor predisposition; Hereditary neoplastic syndrome; Hereditary Cancer Syndrome. Identifiers: Orphanet 140162, MedGen C0027672, MeSH D009386, MONDO:0015356.

Submission:

Ambry Genetics
Classification: Likely pathogenic for Hereditary cancer-predisposing syndrome. Last evaluated: 2023-12-27. Review status: criteria provided, single submitter. Criteria: Ambry Variant Classification Scheme 2023. Collection method: clinical testing. Allele origin: germline.
Comment: The p.S28* variant (also known as c.83C>A), located in coding exon 1 of the BLM gene, results from a C to A substitution at nucleotide position 83. This changes the amino acid from a serine to a stop codon within coding exon 1. The predicted stop codon occurs in the 5&rsquo; end of theBLM gene. Premature termination codons in the 5&rsquo; end of a gene have been reported to escape nonsense-mediated mRNAdecay and/or lead to re-initiation (Rivas et al. Science. 2015 May 8;348(6235):666-9; Lindeboom et al. Nat Genet. 2016 Oct;48(10):1112-8; Rhee et al. Sci Rep. 2017 May 10;7(1):1653). Direct evidence for this alteration is unavailable, however premature termination codons are typically deleterious in nature. This variant is considered to be rare based on population cohorts in the Genome Aggregation Database (gnomAD). Based on the majority of available evidence to date, this variant is likely to be pathogenic.